The following is an entry in ClinVar:

NM_005045.4(RELN):c.4612G>A (p.Asp1538Asn)

Gene: RELN (reelin; minus strand). Cytogenetic location: 7q22.1.
Variant type: single nucleotide variant.
Coding change: c.4612G>A on transcript NM_005045.4 (MANE Select); coding-DNA position 4612, G replaced by A.
Protein change: p.Asp1538Asn; replaces aspartic acid 1538 with asparagine.
Molecular consequence: missense variant.
Genome position (GRCh38, 1-based): chr7:103,566,736, C>T on the plus strand (G>A on the coding strand, the complement: RELN is on the minus strand). VCF-style: chr7-103566736-C-T. GRCh37 (hg19) VCF-style: chr7-103207183-C-T.
Other names: c.4612G>A, p.Asp1538Asn (NM_173054.3); short protein forms D1538N.
Identifiers: ClinVar variation 1397445 (VCV001397445.6), dbSNP rs1210883875, ClinGen allele CA368748628.

ClinVar aggregate classification (germline): Uncertain significance (1 of 4 stars; one submission).

Conditions:
Norman-Roberts syndrome (LIS2). Also called: Lissencephaly 2 (Norman-Roberts type). Identifiers: Orphanet 89844, MedGen C0796089, MONDO:0009760, OMIM 257320.
Familial temporal lobe epilepsy 7. Identifiers: Orphanet 101046, MedGen C4225327, MONDO:0014639, OMIM 616436.

Allele frequency attached by ClinVar (database versions not stated): gnomAD exomes below 0.00001.
gnomAD v4.1: 1 of 1,614,080 alleles (0.000062%); highest among the groups gnomAD compares: Admixed American, 0.0017%; no homozygotes.

Submission:

Labcorp Genetics (formerly Invitae), Labcorp
Classification: Uncertain significance for Familial temporal lobe epilepsy 7; Norman-Roberts syndrome. Last evaluated: 2024-02-17. Review status: criteria provided, single submitter. Criteria: Invitae Variant Classification Sherloc (09022015). Collection method: clinical testing. Allele origin: germline.
Comment: This sequence change replaces aspartic acid, which is acidic and polar, with asparagine, which is neutral and polar, at codon 1538 of the RELN protein (p.Asp1538Asn). This variant is present in population databases (no rsID available, gnomAD 0.003%). This variant has not been reported in the literature in individuals affected with RELN-related conditions. ClinVar contains an entry for this variant (Variation ID: 1397445). Advanced modeling of protein sequence and biophysical properties (such as structural, functional, and spatial information, amino acid conservation, physicochemical variation, residue mobility, and thermodynamic stability) performed at Invitae indicates that this missense variant is not expected to disrupt RELN protein function with a negative predictive value of 80%. In summary, the available evidence is currently insufficient to determine the role of this variant in disease. Therefore, it has been classified as a Variant of Uncertain Significance.